The following is an entry in ClinVar:

NM_152515.5(CKAP2L):c.356A>G (p.Lys119Arg)

Gene: CKAP2L (cytoskeleton associated protein 2 like; minus strand). Cytogenetic location: 2q14.1.
Variant type: single nucleotide variant.
Coding change: c.356A>G on transcript NM_152515.5 (MANE Select); coding-DNA position 356, A replaced by G.
Protein change: p.Lys119Arg; replaces lysine 119 with arginine.
Molecular consequence: missense variant. On other transcripts: 5 prime UTR variant (1), non-coding transcript variant (1).
Genome position (GRCh38, 1-based): chr2:112,757,015, T>C on the plus strand (A>G on the coding strand, the complement: CKAP2L is on the minus strand). VCF-style: chr2-112757015-T-C. GRCh37 (hg19) VCF-style: chr2-113514592-T-C.
Other names: c.-140A>G (NM_001304361.2); short protein forms K119R.
Identifiers: ClinVar variation 1938253 (VCV001938253.5), dbSNP rs985935436, ClinGen allele CA53691884.

ClinVar aggregate classification (germline): Uncertain significance (1 of 4 stars; one submission).

Allele frequency attached by ClinVar (database versions not stated): gnomAD 0.00001; TOPMed 0.00001; gnomAD exomes 0.00002.
gnomAD v4.1: 33 of 1,614,086 alleles (0.002%); highest among the groups gnomAD compares: Non-Finnish European, 0.0027%; no homozygotes.

Submission:

Labcorp Genetics (formerly Invitae), Labcorp
Classification: Uncertain significance. Last evaluated: 2022-03-20. Review status: criteria provided, single submitter. Criteria: Invitae Variant Classification Sherloc (09022015). Collection method: clinical testing. Allele origin: germline.
Comment: This sequence change replaces lysine, which is basic and polar, with arginine, which is basic and polar, at codon 119 of the CKAP2L protein (p.Lys119Arg). In summary, the available evidence is currently insufficient to determine the role of this variant in disease. Therefore, it has been classified as a Variant of Uncertain Significance. Algorithms developed to predict the effect of missense changes on protein structure and function output the following: SIFT: "Tolerated"; PolyPhen-2: "Benign"; Align-GVGD: "Class C0". The arginine amino acid residue is found in multiple mammalian species, which suggests that this missense change does not adversely affect protein function. This variant has not been reported in the literature in individuals affected with CKAP2L-related conditions. This variant is present in population databases (no rsID available, gnomAD 0.0009%).